The following is an entry in ClinVar:

NM_015215.4(CAMTA1):c.407A>G (p.Asp136Gly)

Gene: CAMTA1 (calmodulin binding transcription activator 1; plus strand). Cytogenetic location: 1p36.23.
Variant type: single nucleotide variant.
Coding change: c.407A>G on transcript NM_015215.4 (MANE Select); coding-DNA position 407, A replaced by G.
Protein change: p.Asp136Gly; replaces aspartic acid 136 with glycine.
Molecular consequence: missense variant.
Genome position (GRCh38, 1-based): chr1:7,249,595, A>G. VCF-style: chr1-7249595-A-G. GRCh37 (hg19) VCF-style: chr1-7309655-A-G.
Other names: c.317A>G, p.Asp106Gly (NM_001349608.2, NM_001349612.2); c.407A>G, p.Asp136Gly (NM_001349609.2, NM_001349610.2); short protein forms D106G, D136G.
Identifiers: ClinVar variation 1309928 (VCV001309928.2), dbSNP rs2149303100, ClinGen allele CA338218771.

ClinVar aggregate classification (germline): Uncertain significance (1 of 4 stars; one submission).

Submission:

GeneDx
Classification: Uncertain significance. Last evaluated: 2019-11-07. Review status: criteria provided, single submitter. Criteria: GeneDx Variant Classification Process June 2021. Collection method: clinical testing. Allele origin: germline. Affected: yes.
Comment: Not observed in large population cohorts (Lek et al., 2016); In silico analysis, which includes protein predictors and evolutionary conservation, supports a deleterious effect; This variant is associated with the following publications: (PMID: 33131045)